The following is an entry in ClinVar:

NM_002769.5(PRSS1):c.19C>T (p.Leu7Phe)

Genes: PRSS1 (serine protease 1; plus strand), TRB (T cell receptor beta locus; plus strand). Cytogenetic location: 7q34.
Variant type: single nucleotide variant.
Coding change: c.19C>T on transcript NM_002769.5 (MANE Select); coding-DNA position 19, C replaced by T.
Protein change: p.Leu7Phe; replaces leucine 7 with phenylalanine.
Molecular consequence: missense variant. On other transcripts: non-coding transcript variant (5).
Genome position (GRCh38, 1-based): chr7:142,749,503, C>T. VCF-style: chr7-142749503-C-T. GRCh37 (hg19) VCF-style: chr7-142457354-C-T.
Other names: short protein forms L7F.
Identifiers: ClinVar variation 4145702 (VCV004145702.1).

ClinVar aggregate classification (germline): Uncertain significance (1 of 4 stars; one submission).

Conditions:
Hereditary pancreatitis (PCTT). Also called: Hereditary chronic pancreatitis; PRSS1-Related Hereditary Pancreatitis. Identifiers: Orphanet 676, MedGen C0238339, MONDO:0008185, OMIM 167800.

Submission:

Ambry Genetics
Classification: Uncertain significance for Hereditary pancreatitis. Last evaluated: 2025-08-01. Review status: criteria provided, single submitter. Criteria: Ambry Variant Classification Scheme 2023. Collection method: clinical testing. Allele origin: germline.
Comment: The p.L7F variant (also known as c.19C>T), located in coding exon 1 of the PRSS1 gene, results from a C to T substitution at nucleotide position 19. The leucine at codon 7 is replaced by phenylalanine, an amino acid with highly similar properties. This amino acid position is conserved. In addition, this alteration is predicted to be tolerated by in silico analysis. Based on the available evidence, the clinical significance of this variant remains unclear.